The following is an entry in ClinVar:

NM_001035.3(RYR2):c.12982G>A (p.Ala4328Thr)

Genes: RYR2 (ryanodine receptor 2; plus strand), LOC126806068 (BRD4-independent group 4 enhancer GRCh37_chr1:237947411-237948610; plus strand). Cytogenetic location: 1q43.
Variant type: single nucleotide variant.
Coding change: c.12982G>A on transcript NM_001035.3 (MANE Select); coding-DNA position 12982, G replaced by A.
Protein change: p.Ala4328Thr; replaces alanine 4328 with threonine.
Molecular consequence: missense variant.
Genome position (GRCh38, 1-based): chr1:237,784,694, G>A. VCF-style: chr1-237784694-G-A. GRCh37 (hg19) VCF-style: chr1-237947994-G-A.
Other names: short protein forms A4328T.
Identifiers: ClinVar variation 3633839 (VCV003633839.2).

ClinVar aggregate classification (germline): Uncertain significance (1 of 4 stars; one submission).

Conditions:
Catecholaminergic polymorphic ventricular tachycardia 1. Also called: VENTRICULAR TACHYCARDIA, CATECHOLAMINERGIC POLYMORPHIC, 1, WITH OR WITHOUT ATRIAL DYSFUNCTION AND/OR DILATED CARDIOMYOPATHY; RYR2-Related Catecholaminergic Polymorphic Ventricular Tachycardia; VENTRICULAR TACHYCARDIA, STRESS-INDUCED POLYMORPHIC 1. Identifiers: Orphanet 3286, MedGen C1631597, MONDO:0011484, OMIM 604772.

Submission:

Labcorp Genetics (formerly Invitae), Labcorp
Classification: Uncertain significance for Catecholaminergic polymorphic ventricular tachycardia 1. Last evaluated: 2024-09-26. Review status: criteria provided, single submitter. Criteria: Invitae Variant Classification Sherloc (09022015). Collection method: clinical testing. Allele origin: germline.
Comment: This sequence change replaces alanine, which is neutral and non-polar, with threonine, which is neutral and polar, at codon 4328 of the RYR2 protein (p.Ala4328Thr). This variant is not present in population databases (gnomAD no frequency). This variant has not been reported in the literature in individuals affected with RYR2-related conditions. Invitae Evidence Modeling of protein sequence and biophysical properties (such as structural, functional, and spatial information, amino acid conservation, physicochemical variation, residue mobility, and thermodynamic stability) indicates that this missense variant is not expected to disrupt RYR2 protein function with a negative predictive value of 95%. In summary, the available evidence is currently insufficient to determine the role of this variant in disease. Therefore, it has been classified as a Variant of Uncertain Significance.